The following is an entry in ClinVar:

ClinVar aggregate classification (germline): Likely benign (1 of 4 stars; one submission).

Conditions:
Familial cancer of breast. Also called: hereditary breast carcinoma; BREAST CANCER, FAMILIAL; Hereditary breast cancer. Identifiers: Orphanet 227535, MedGen C0346153, MONDO:0016419, OMIM 114480. Disease mechanism: loss of function.

Submission:

Myriad Genetics, Inc.
Classification: Likely benign for Familial cancer of breast. Last evaluated: 2024-06-21. Review status: criteria provided, single submitter. Criteria: Myriad Autosomal Dominant, Autosomal Recessive and X-Linked Classification Criteria (2023). Collection method: clinical testing. Allele origin: unknown.
Comment: This variant is considered likely benign. This variant is intronic and is not expected to impact mRNA splicing.

NM_000051.4(ATM):c.8851-19A>T

Genes: ATM (ATM serine/threonine kinase; plus strand), C11orf65 (chromosome 11 open reading frame 65; minus strand). Cytogenetic location: 11q22.3.
Variant type: single nucleotide variant.
Coding change: c.8851-19A>T on transcript NM_000051.4 (MANE Select); 19 bases into the intron before coding-DNA position 8851, A replaced by T.
Molecular consequence: intron variant.
Genome position (GRCh38, 1-based): chr11:108,365,063, A>T. VCF-style: chr11-108365063-A-T. GRCh37 (hg19) VCF-style: chr11-108235790-A-T.
Other names: c.8851-19A>T (NM_001351834.2); c.640+20857T>A (NM_001330368.2); c.694+20857T>A (NM_001351110.2).
Identifiers: ClinVar variation 3254165 (VCV003254165.1), dbSNP rs772496794.